The following is an entry in ClinVar:

ClinVar aggregate classification (germline): Uncertain significance (1 of 4 stars; one submission).

Conditions:
Autosomal dominant limb-girdle muscular dystrophy type 1F (LGMDD2). Also called: Limb-girdle muscular dystrophy, type 1F; MUSCULAR DYSTROPHY, LIMB-GIRDLE, AUTOSOMAL DOMINANT 2. Identifiers: Orphanet 55595, MedGen C1842062, MONDO:0012034, OMIM 608423.

Submission:

Labcorp Genetics (formerly Invitae), Labcorp
Classification: Uncertain significance for Autosomal dominant limb-girdle muscular dystrophy type 1F. Last evaluated: 2024-07-01. Review status: criteria provided, single submitter. Criteria: Invitae Variant Classification Sherloc (09022015). Collection method: clinical testing. Allele origin: germline.
Comment: This sequence change replaces lysine, which is basic and polar, with threonine, which is neutral and polar, at codon 521 of the TNPO3 protein (p.Lys521Thr). This variant is not present in population databases (gnomAD no frequency). This variant has not been reported in the literature in individuals affected with TNPO3-related conditions. ClinVar contains an entry for this variant (Variation ID: 2121648). Advanced modeling of protein sequence and biophysical properties (such as structural, functional, and spatial information, amino acid conservation, physicochemical variation, residue mobility, and thermodynamic stability) performed at Invitae indicates that this missense variant is not expected to disrupt TNPO3 protein function with a negative predictive value of 80%. In summary, the available evidence is currently insufficient to determine the role of this variant in disease. Therefore, it has been classified as a Variant of Uncertain Significance.

NM_012470.4(TNPO3):c.1562A>C (p.Lys521Thr)

Gene: TNPO3 (transportin 3; minus strand). Cytogenetic location: 7q32.1.
Variant type: single nucleotide variant.
Coding change: c.1562A>C on transcript NM_012470.4 (MANE Select); coding-DNA position 1562, A replaced by C.
Protein change: p.Lys521Thr; replaces lysine 521 with threonine.
Molecular consequence: missense variant. On other transcripts: non-coding transcript variant (18), intron variant (2).
Genome position (GRCh38, 1-based): chr7:128,986,857, T>G on the plus strand (A>C on the coding strand, the complement: TNPO3 is on the minus strand). VCF-style: chr7-128986857-T-G. GRCh37 (hg19) VCF-style: chr7-128626911-T-G.
Other names: c.1664A>C, p.Lys555Thr (NM_001382216.1); c.1643A>C, p.Lys548Thr (NM_001382217.1); c.1562A>C, p.Lys521Thr (NM_001382218.1, NM_001382220.1); c.1454A>C, p.Lys485Thr (NM_001382219.1); c.1418A>C, p.Lys473Thr (NM_001382221.1); c.1415A>C, p.Lys472Thr (NM_001382222.1); c.1499-2598A>C (NM_001382223.1, NM_001191028.3); short protein forms K548T, K555T, K472T, K485T, K521T, K473T.
Identifiers: ClinVar variation 2121648 (VCV002121648.4), dbSNP rs755030982, ClinGen allele CA369226445.